The following is an entry in ClinVar:

NM_007215.4(POLG2):c.517A>G (p.Asn173Asp)

Genes: MILR1 (mast cell immunoglobulin like receptor 1; plus strand), POLG2 (DNA polymerase gamma 2, accessory subunit; minus strand). Cytogenetic location: 17q23.3.
Variant type: single nucleotide variant.
Coding change: c.517A>G on transcript NM_007215.4 (MANE Select); coding-DNA position 517, A replaced by G.
Protein change: p.Asn173Asp; replaces asparagine 173 with aspartic acid.
Molecular consequence: missense variant.
Genome position (GRCh38, 1-based): chr17:64,496,452, T>C on the plus strand (A>G on the coding strand, the complement: POLG2 is on the minus strand). VCF-style: chr17-64496452-T-C. GRCh37 (hg19) VCF-style: chr17-62492570-T-C.
Other names: short protein forms N173D.
Identifiers: ClinVar variation 2829398 (VCV002829398.3), dbSNP rs2509560094, ClinGen allele CA400640767.

ClinVar aggregate classification (germline): Uncertain significance (1 of 4 stars; one submission).

Allele frequency attached by ClinVar (database versions not stated): gnomAD exomes below 0.00001.
gnomAD v4.1: 1 of 1,595,026 alleles (0.000063%); highest among the groups gnomAD compares: East Asian, 0.0023%; no homozygotes.

Submission:

Labcorp Genetics (formerly Invitae), Labcorp
Classification: Uncertain significance. Last evaluated: 2023-01-17. Review status: criteria provided, single submitter. Criteria: Invitae Variant Classification Sherloc (09022015). Collection method: clinical testing. Allele origin: germline.
Comment: Algorithms developed to predict the effect of missense changes on protein structure and function (SIFT, PolyPhen-2, Align-GVGD) all suggest that this variant is likely to be tolerated. This variant has not been reported in the literature in individuals affected with POLG2-related conditions. This variant is not present in population databases (gnomAD no frequency). This sequence change replaces asparagine, which is neutral and polar, with aspartic acid, which is acidic and polar, at codon 173 of the POLG2 protein (p.Asn173Asp). In summary, the available evidence is currently insufficient to determine the role of this variant in disease. Therefore, it has been classified as a Variant of Uncertain Significance.